The following is an entry in ClinVar:

NM_020975.6(RET):c.1893C>T (p.Asp631=)

Gene: RET (ret proto-oncogene; plus strand). Cytogenetic location: 10q11.21.
Variant type: single nucleotide variant.
Coding change: c.1893C>T on transcript NM_020975.6 (MANE Select); coding-DNA position 1893, C replaced by T.
Protein change: p.Asp631=; no amino-acid change (aspartic acid 631 retained).
Molecular consequence: synonymous variant. On other transcripts: intron variant (4).
Genome position (GRCh38, 1-based): chr10:43,114,493, C>T. VCF-style: chr10-43114493-C-T. GRCh37 (hg19) VCF-style: chr10-43609941-C-T.
Other names: c.1893C>T, p.Asp631= (NM_000323.2, NM_001406743.1, NM_001406744.1 and 4 more transcripts); c.1131C>T, p.Asp377= (NM_001355216.2); c.1764C>T, p.Asp588= (NM_001406761.1, NM_001406762.1, NM_001406764.1); c.1605C>T, p.Asp535= (NM_001406766.1, NM_001406767.1, NM_001406770.1); c.1497C>T, p.Asp499= (NM_001406769.1, NM_001406772.1); c.1455C>T, p.Asp485= (NM_001406771.1, NM_001406773.1); c.1368C>T, p.Asp456= (NM_001406774.1); c.1167C>T, p.Asp389= (NM_001406775.1, NM_001406776.1, NM_001406777.1 and 1 more transcripts); and 10 more.
Identifiers: ClinVar variation 24919 (VCV000024919.43), dbSNP rs55846256, ClinGen allele CA008247.

ClinVar aggregate classification (germline): Benign/Likely benign. Review status: criteria provided, multiple submitters, no conflicts (2 of 4 stars). 9 submissions from 9 submitters: Benign (2); Likely benign (6). 1 of the submissions does not count toward it. Last evaluated 2026-02-02.

Conditions:
Hereditary cancer-predisposing syndrome. Also called: Neoplastic Syndromes, Hereditary; Tumor predisposition; Hereditary Cancer Syndrome; Hereditary neoplastic syndrome. Identifiers: Orphanet 140162, MedGen C0027672, MeSH D009386, MONDO:0015356.
Multiple endocrine neoplasia, type 2 (MEN2). Identifiers: Orphanet 653, MedGen C4048306, MONDO:0019003. Disease mechanism: gain of function.
Multiple endocrine neoplasia type 2A. Also called: MULTIPLE ENDOCRINE NEOPLASIA, TYPE IIA; PTC SYNDROME; SIPPLE SYNDROME; MEN 2A; MEN-2A syndrome; Pheochromocytoma and amyloid producing medullary thyroid carcinoma. Identifiers: Orphanet 247698, Orphanet 653, MedGen C0025268, MeSH D018813, MONDO:0008234, OMIM 171400.

Allele frequency attached by ClinVar (database versions not stated): TOPMed 0.00016; 1000 Genomes Project 0.00020; 1000 Genomes Project 30x 0.00031; ESP Exome Variant Server 0.00008; gnomAD 0.00013.

Submissions (9):

Labcorp Genetics (formerly Invitae), Labcorp
Classification: Likely benign for Multiple endocrine neoplasia, type 2. Last evaluated: 2026-02-02. Review status: criteria provided, single submitter. Criteria: Invitae Variant Classification Sherloc (09022015). Collection method: clinical testing. Allele origin: germline.

CeGaT Center for Human Genetics Tuebingen
Classification: Likely benign. Last evaluated: 2025-02-01. Review status: criteria provided, single submitter. Criteria: CeGaT Center For Human Genetics Tuebingen Variant Classification Criteria Version 2. Collection method: clinical testing. Allele origin: germline. Affected: yes. Observed: 3 variant alleles.
Comment: RET: BP4, BP7

Blueprint Genetics
Classification: Likely benign. Last evaluated: 2024-11-19. Review status: criteria provided, single submitter. Criteria: ACMG Guidelines, 2015. Collection method: clinical testing. Allele origin: germline.

Myriad Genetics, Inc.
Classification: Benign for Multiple endocrine neoplasia type 2A. Last evaluated: 2023-04-18. Review status: criteria provided, single submitter. Criteria: Myriad Autosomal Dominant, Autosomal Recessive and X-Linked Classification Criteria (2023). Collection method: clinical testing. Allele origin: unknown.
Comment: This variant is considered benign. This variant is a silent/synonymous amino acid change and it is not expected to impact splicing.

Color Diagnostics, LLC DBA Color Health
Classification: Likely benign for Multiple endocrine neoplasia, type 2. Last evaluated: 2023-04-05. Review status: criteria provided, single submitter. Criteria: ACMG Guidelines, 2015. Collection method: clinical testing. Allele origin: germline.

Sema4
Classification: Benign for Hereditary cancer-predisposing syndrome. Last evaluated: 2021-09-10. Review status: criteria provided, single submitter. Criteria: Sema4 Curation Guidelines. Collection method: curation. Allele origin: germline.

GeneDx
Classification: Likely benign. Last evaluated: 2017-01-05. Review status: criteria provided, single submitter. Criteria: GeneDx Variant Classification (06012015). Collection method: clinical testing. Allele origin: germline. Affected: yes.
Comment: This variant is considered likely benign or benign based on one or more of the following criteria: it is a conservative change, it occurs at a poorly conserved position in the protein, it is predicted to be benign by multiple in silico algorithms, and/or has population frequency not consistent with disease.

Ambry Genetics
Classification: Likely benign for Hereditary cancer-predisposing syndrome. Last evaluated: 2015-11-06. Review status: criteria provided, single submitter. Criteria: Ambry Variant Classification Scheme 2023. Collection method: clinical testing. Allele origin: germline.

Counsyl
Classification: Likely benign for Multiple endocrine neoplasia type 2A. Last evaluated: 2018-05-16. Review status: no assertion criteria provided. Collection method: clinical testing. Allele origin: unknown. Not counted in ClinVar's aggregate classification.

Literature cited by the submitters: PubMed 14718397 (cited by Counsyl); PubMed 16391329 (cited by Counsyl); PubMed 17344846 (cited by Counsyl).